The following is an entry in ClinVar:

NM_001854.4(COL11A1):c.5166T>A (p.Asp1722Glu)

Genes: COL11A1 (collagen type XI alpha 1 chain; minus strand), LOC126805814 (P300/CBP strongly-dependent group 1 enhancer GRCh37_chr1:103344928-103346127; plus strand). Cytogenetic location: 1p21.1.
Variant type: single nucleotide variant.
Coding change: c.5166T>A on transcript NM_001854.4 (MANE Select); coding-DNA position 5166, T replaced by A.
Protein change: p.Asp1722Glu; replaces aspartic acid 1722 with glutamic acid.
Molecular consequence: missense variant. On other transcripts: non-coding transcript variant (1).
Genome position (GRCh38, 1-based): chr1:102,879,791, A>T on the plus strand (T>A on the coding strand, the complement: COL11A1 is on the minus strand). VCF-style: chr1-102879791-A-T. GRCh37 (hg19) VCF-style: chr1-103345347-A-T.
Other names: c.5049T>A, p.Asp1683Glu (NM_001190709.2); c.5202T>A, p.Asp1734Glu (NM_080629.3); c.4818T>A, p.Asp1606Glu (NM_080630.4); short protein forms D1683E, D1722E, D1734E, D1606E.
Identifiers: ClinVar variation 1523567 (VCV001523567.7), dbSNP rs2101007215, ClinGen allele CA341210962.
Genomic context (GRCh38, chr1:102,879,791, plus strand): 5'-CATCTCCTCATCATTTGATCCCAGGAAGCGAAGTGCTTTGTCATAACTTCCTGATGACAC[A>T]TCATACCAGGCTGCTGACTGATGACAGTGGTAGGTGAAATTTTGCCGAGCAGAGGCAGTC-3'
Protein context (NP_001845.3, residues 1712-1732): YHCHQSAAWY[Asp1722Glu]VSSGSYDKAL

ClinVar aggregate classification (germline): Uncertain significance. Review status: criteria provided, multiple submitters, no conflicts (2 of 4 stars). 2 submissions from 2 submitters: Uncertain significance (2). Last evaluated 2021-11-12.

gnomAD v4.1: 3 of 1,614,020 alleles (0.00019%); highest among the groups gnomAD compares: Non-Finnish European, 0.000085%; no homozygotes.

Submissions (2):

Labcorp Genetics (formerly Invitae), Labcorp
Classification: Uncertain significance. Last evaluated: 2021-11-12. Review status: criteria provided, single submitter. Criteria: Invitae Variant Classification Sherloc (09022015). Collection method: clinical testing. Allele origin: germline.
Comment: This sequence change replaces aspartic acid, which is acidic and polar, with glutamic acid, which is acidic and polar, at codon 1722 of the COL11A1 protein (p.Asp1722Glu). This variant is not present in population databases (gnomAD no frequency). In summary, the available evidence is currently insufficient to determine the role of this variant in disease. Therefore, it has been classified as a Variant of Uncertain Significance. Advanced modeling of protein sequence and biophysical properties (such as structural, functional, and spatial information, amino acid conservation, physicochemical variation, residue mobility, and thermodynamic stability) performed at Invitae indicates that this missense variant is not expected to disrupt COL11A1 protein function. This variant has not been reported in the literature in individuals affected with COL11A1-related conditions.

Blueprint Genetics
Classification: Uncertain significance. Last evaluated: 2018-03-13. Review status: criteria provided, single submitter. Criteria: ACMG Guidelines, 2015. Collection method: clinical testing. Allele origin: germline.